The following is an entry in ClinVar:

NM_033118.4(MYLK2):c.1196A>G (p.Lys399Arg)

Gene: MYLK2 (myosin light chain kinase 2; plus strand). Cytogenetic location: 20q11.21.
Variant type: single nucleotide variant.
Coding change: c.1196A>G on transcript NM_033118.4 (MANE Select); coding-DNA position 1196, A replaced by G.
Protein change: p.Lys399Arg; replaces lysine 399 with arginine.
Molecular consequence: missense variant.
Genome position (GRCh38, 1-based): chr20:31,826,910, A>G. VCF-style: chr20-31826910-A-G. GRCh37 (hg19) VCF-style: chr20-30414713-A-G.
Other names: short protein forms K399R.
Identifiers: ClinVar variation 1746017 (VCV001746017.2), dbSNP rs2515457263, ClinGen allele CA408527321.
Genomic context (GRCh38, chr20:31,826,910, plus strand): 5'-CCGAGGTGGACACCATGGTGTTTGTCAGGCAGATCTGTGACGGGATCCTCTTCATGCACA[A>G]GATGAGGGTTTTGCACCTGGACCTCAAGGTACCAGACTGGGGCCTCCTGGGAAGGGTCAG-3'
Protein context (NP_149109.1, residues 389-409): QICDGILFMH[Lys399Arg]MRVLHLDLKP

ClinVar aggregate classification (germline): Uncertain significance (1 of 4 stars; one submission).

Submission:

Ambry Genetics
Classification: Uncertain significance. Last evaluated: 2022-08-07. Review status: criteria provided, single submitter. Criteria: Ambry Variant Classification Scheme 2023. Collection method: clinical testing. Allele origin: germline.
Comment: The p.K399R variant (also known as c.1196A>G), located in coding exon 7 of the MYLK2 gene, results from an A to G substitution at nucleotide position 1196. The lysine at codon 399 is replaced by arginine, an amino acid with highly similar properties. This amino acid position is conserved. In addition, this alteration is predicted to be tolerated by in silico analysis. Since supporting evidence is limited at this time, the clinical significance of this alteration remains unclear.